The following is an entry in ClinVar:

ClinVar aggregate classification (germline): Uncertain significance. Review status: criteria provided, multiple submitters, no conflicts (2 of 4 stars). 4 submissions from 4 submitters: Uncertain significance (2). 2 of the submissions do not count toward it. Last evaluated 2026-08-17.

Conditions:
Retinal dystrophy. Also called: Inherited retinal dystrophy. Identifiers: Orphanet 71862, MedGen C0854723, MeSH D058499, MONDO:0019118, HP:0000556.
Alstrom syndrome (ALMS). Identifiers: Orphanet 64, MedGen C0268425, MONDO:0008763, OMIM 203800.

Submissions (4):

GeneDx
Classification: Uncertain significance. Last evaluated: 2026-08-17. Review status: criteria provided, single submitter. Criteria: GeneDx Variant Classification Process June 2021. Collection method: clinical testing. Allele origin: germline.
Comment: Not observed at significant frequency in large population cohorts (gnomAD); In silico analysis suggests that this missense variant does not alter protein structure/function; Has not been previously published as pathogenic or benign to our knowledge

Labcorp Genetics (formerly Invitae), Labcorp
Classification: Uncertain significance for Alstrom syndrome. Last evaluated: 2022-10-25. Review status: criteria provided, single submitter. Criteria: Invitae Variant Classification Sherloc (09022015). Collection method: clinical testing. Allele origin: germline.
Comment: This sequence change replaces glutamic acid, which is acidic and polar, with lysine, which is basic and polar, at codon 20 of the ALMS1 protein (p.Glu20Lys). This variant is not present in population databases (gnomAD no frequency). This variant has not been reported in the literature in individuals affected with ALMS1-related conditions. ClinVar contains an entry for this variant (Variation ID: 554376). Experimental studies and prediction algorithms are not available or were not evaluated, and the functional significance of this variant is currently unknown. In summary, the available evidence is currently insufficient to determine the role of this variant in disease. Therefore, it has been classified as a Variant of Uncertain Significance.

Institute of Human Genetics, Univ. Regensburg, Univ. Regensburg
Classification: Uncertain significance for Retinal dystrophy. Last evaluated: 2021-01-01. Review status: no assertion criteria provided. Criteria: ACMG Guidelines, 2015. Collection method: clinical testing. Allele origin: germline. Affected: yes. Not counted in ClinVar's aggregate classification.

Counsyl
Classification: Uncertain significance for Alstrom syndrome. Last evaluated: 2017-10-17. Review status: no assertion criteria provided. Collection method: clinical testing. Allele origin: unknown. Not counted in ClinVar's aggregate classification.

NM_001378454.1(ALMS1):c.55G>A (p.Glu19Lys)

Gene: ALMS1 (ALMS1 centrosome and basal body associated protein; plus strand). Cytogenetic location: 2p13.1.
Variant type: single nucleotide variant.
Coding change: c.55G>A on transcript NM_001378454.1 (MANE Select); coding-DNA position 55, G replaced by A.
Protein change: p.Glu19Lys; replaces glutamic acid 19 with lysine.
Molecular consequence: missense variant.
Genome position (GRCh38, 1-based): chr2:73,385,923, G>A. VCF-style: chr2-73385923-G-A. GRCh37 (hg19) VCF-style: chr2-73613051-G-A.
Other names: c.58G>A, p.Glu20Lys (NM_015120.4); short protein forms E20K, E19K.
Identifiers: ClinVar variation 554376 (VCV000554376.11), dbSNP rs939208094, ClinGen allele CA50368738.